The following is an entry in ClinVar:

ClinVar aggregate classification (germline): Likely benign (1 of 4 stars; one submission).

Conditions:
CREBBP-related disorder. Also called: CREBBP-related disorders; CREBBP-related condition.

Submission:

PreventionGenetics, part of Exact Sciences
Classification: Likely benign for CREBBP-related condition. Last evaluated: 2024-10-30. Review status: criteria provided, single submitter. Criteria: ACMG Guidelines, 2015. Collection method: clinical testing. Allele origin: germline.
Comment: This variant is classified as likely benign based on ACMG/AMP sequence variant interpretation guidelines (Richards et al. 2015 PMID: 25741868, with internal and published modifications).

NM_004380.3(CREBBP):c.2881-12G>T

Gene: CREBBP (CREB binding lysine acetyltransferase; minus strand). Cytogenetic location: 16p13.3.
Variant type: single nucleotide variant.
Coding change: c.2881-12G>T on transcript NM_004380.3 (MANE Select); 12 bases into the intron before coding-DNA position 2881, G replaced by T.
Molecular consequence: intron variant.
Genome position (GRCh38, 1-based): chr16:3,769,365, C>A on the plus strand (G>T on the coding strand, the complement: CREBBP is on the minus strand). VCF-style: chr16-3769365-C-A. GRCh37 (hg19) VCF-style: chr16-3819366-C-A.
Other names: c.2767-12G>T (NM_001079846.1).
Identifiers: ClinVar variation 4978643 (VCV004978643.1).
Genomic context (GRCh38, chr16:3,769,365, plus strand): 5'-AGGAGGGGGTAGGGACTCTGTTATCAATGCTGGCTGCTGCCTGGGAAAGCTGTGAAAAAA[C>A]CGAAAGCACTGACTTCAGTAAGCAAGGTAACATAAATGATCTTCAACTATGCTGCTCATG-3'